The following is an entry in ClinVar:

ClinVar aggregate classification (germline): Uncertain significance. Review status: criteria provided, multiple submitters, no conflicts (2 of 4 stars). 2 submissions from 2 submitters: Uncertain significance (2). Last evaluated 2023-02-23.

Conditions:
Familial episodic pain syndrome with predominantly lower limb involvement. Also called: Episodic pain syndrome, familial, 3. Identifiers: Orphanet 391384, Orphanet 391392, MedGen C3809899, MONDO:0014247, OMIM 615552.
Hereditary sensory and autonomic neuropathy type 7. Also called: Neuropathy, hereditary sensory and autonomic, type VII; HSAN VII. Identifiers: Orphanet 391397, MedGen C3809882, MONDO:0014244, OMIM 615548.
Inborn genetic diseases. Identifiers: MedGen C0950123, MeSH D030342.

Allele frequency attached by ClinVar (database versions not stated): gnomAD exomes below 0.00001.
gnomAD v4.1: 2 of 1,564,264 alleles (0.00013%); highest among the groups gnomAD compares: Non-Finnish European, 0.00017%; no homozygotes.

Submissions (2):

Labcorp Genetics (formerly Invitae), Labcorp
Classification: Uncertain significance for Familial episodic pain syndrome with predominantly lower limb involvement; Hereditary sensory and autonomic neuropathy type 7. Last evaluated: 2023-02-23. Review status: criteria provided, single submitter. Criteria: Invitae Variant Classification Sherloc (09022015). Collection method: clinical testing. Allele origin: germline.
Comment: In summary, the available evidence is currently insufficient to determine the role of this variant in disease. Therefore, it has been classified as a Variant of Uncertain Significance. Advanced modeling of protein sequence and biophysical properties (such as structural, functional, and spatial information, amino acid conservation, physicochemical variation, residue mobility, and thermodynamic stability) performed at Invitae indicates that this missense variant is not expected to disrupt SCN11A protein function. ClinVar contains an entry for this variant (Variation ID: 1437810). This variant has not been reported in the literature in individuals affected with SCN11A-related conditions. This variant is not present in population databases (gnomAD no frequency). This sequence change replaces lysine, which is basic and polar, with glutamic acid, which is acidic and polar, at codon 538 of the SCN11A protein (p.Lys538Glu).

Ambry Genetics
Classification: Uncertain significance for Inborn genetic diseases. Last evaluated: 2021-08-02. Review status: criteria provided, single submitter. Criteria: Ambry Variant Classification Scheme 2023. Collection method: clinical testing. Allele origin: germline.
Comment: The p.K538E variant (also known as c.1612A>G), located in coding exon 12 of the SCN11A gene, results from an A to G substitution at nucleotide position 1612. The lysine at codon 538 is replaced by glutamic acid, an amino acid with similar properties. This amino acid position is conserved. In addition, this alteration is predicted to be tolerated by in silico analysis. Since supporting evidence is limited at this time, the clinical significance of this alteration remains unclear.

NM_001349253.2(SCN11A):c.1612A>G (p.Lys538Glu)

Gene: SCN11A (sodium voltage-gated channel alpha subunit 11; minus strand). Cytogenetic location: 3p22.2.
Variant type: single nucleotide variant.
Coding change: c.1612A>G on transcript NM_001349253.2 (MANE Select); coding-DNA position 1612, A replaced by G.
Protein change: p.Lys538Glu; replaces lysine 538 with glutamic acid.
Molecular consequence: missense variant.
Genome position (GRCh38, 1-based): chr3:38,904,095, T>C on the plus strand (A>G on the coding strand, the complement: SCN11A is on the minus strand). VCF-style: chr3-38904095-T-C. GRCh37 (hg19) VCF-style: chr3-38945586-T-C.
Other names: c.1612A>G, p.Lys538Glu (NM_014139.3); short protein forms K538E.
Identifiers: ClinVar variation 1437810 (VCV001437810.10), dbSNP rs1553638694, ClinGen allele CA352164915.
Genomic context (GRCh38, chr3:38,904,095, plus strand): 5'-TCCACACGAGGTACTTGGATGCCAGGTTTTCTCCACAAGGGAGACAAGGCTCTTGTGATT[T>C]TTCTTGTTCTGGAGGAGAATGAGCGAGAGGTTGAGGAGTTAGCTCTGAAGCAATCCAGAT-3'
Protein context (NP_001336182.1, residues 528-548): ILTITMKEQE[Lys538Glu]SQEPCLPCGE